The following is an entry in ClinVar:

ClinVar aggregate classification (germline): Likely benign. Review status: criteria provided, multiple submitters, no conflicts (2 of 4 stars). 3 submissions from 3 submitters: Likely benign (3). Last evaluated 2025-11-12.

Conditions:
Intellectual developmental disorder, X-linked 1. Also called: Atkin Flaitz Patil Smith syndrome; MENTAL RETARDATION, X-LINKED 18; MENTAL RETARDATION, X-LINKED 78; Intellectual disability, X-linked 1. Identifiers: Orphanet 777, MedGen C2931498, MONDO:0010656, OMIM 309530.
IQSEC2-related disorder. Also called: IQSEC2-related condition.

Allele frequency attached by ClinVar (database versions not stated): gnomAD exomes 0.00010 and 0.00002.

Submissions (3):

Labcorp Genetics (formerly Invitae), Labcorp
Classification: Likely benign for Intellectual developmental disorder, X-linked 1. Last evaluated: 2025-11-12. Review status: criteria provided, single submitter. Criteria: Invitae Variant Classification Sherloc (09022015). Collection method: clinical testing. Allele origin: germline.

PreventionGenetics, part of Exact Sciences
Classification: Likely benign for IQSEC2-related condition. Last evaluated: 2024-12-16. Review status: criteria provided, single submitter. Criteria: ACMG Guidelines, 2015. Collection method: clinical testing. Allele origin: germline.
Comment: This variant is classified as likely benign based on ACMG/AMP sequence variant interpretation guidelines (Richards et al. 2015 PMID: 25741868, with internal and published modifications).

GeneDx
Classification: Likely benign. Last evaluated: 2021-03-24. Review status: criteria provided, single submitter. Criteria: GeneDx Variant Classification Process June 2021. Collection method: clinical testing. Allele origin: germline. Affected: yes.

NM_001111125.3(IQSEC2):c.4317C>T (p.Pro1439=)

Gene: IQSEC2 (IQ motif and Sec7 domain ArfGEF 2; minus strand). Cytogenetic location: Xp11.22.
Variant type: single nucleotide variant.
Coding change: c.4317C>T on transcript NM_001111125.3 (MANE Select); coding-DNA position 4317, C replaced by T.
Protein change: p.Pro1439=; no amino-acid change (proline 1439 retained).
Molecular consequence: synonymous variant. On other transcripts: 3 prime UTR variant (1).
Genome position (GRCh38, 1-based): chrX:53,234,369, G>A on the plus strand (C>T on the coding strand, the complement: IQSEC2 is on the minus strand). VCF-style: chrX-53234369-G-A. GRCh37 (hg19) VCF-style: chrX-53263551-G-A.
Other names: c.*802C>T (NM_015075.2).
Identifiers: ClinVar variation 759728 (VCV000759728.14), dbSNP rs1216934275, ClinGen allele CA516673183.